The following is an entry in ClinVar:

ClinVar aggregate classification (germline): Pathogenic. Review status: criteria provided, multiple submitters, no conflicts (2 of 4 stars). 2 submissions from 2 submitters: Pathogenic (2). Last evaluated 2025-02-28.

Conditions:
Cone-rod dystrophy and hearing loss 2 (CRDHL2). Identifiers: MedGen C5193051, MONDO:0020780, OMIM 618358.

Submissions (2):

Laboratorio de Genetica e Diagnostico Molecular, Hospital Israelita Albert Einstein
Classification: Pathogenic for Cone-rod dystrophy and hearing loss 2. Last evaluated: 2025-02-28. Review status: criteria provided, single submitter. Criteria: ACMG Guidelines, 2015. Collection method: clinical testing. Allele origin: germline. Affected: yes.
Comment: ACMG classification criteria: PVS1 very strong, PM2 supporting, PM3 moderate

Labcorp Genetics (formerly Invitae), Labcorp
Classification: Pathogenic. Last evaluated: 2021-12-19. Review status: criteria provided, single submitter. Criteria: Invitae Variant Classification Sherloc (09022015). Collection method: clinical testing. Allele origin: germline.
Comment: For these reasons, this variant has been classified as Pathogenic. ClinVar contains an entry for this variant (Variation ID: 848176). This variant has not been reported in the literature in individuals affected with CEP250-related conditions. This variant is not present in population databases (gnomAD no frequency). This sequence change creates a premature translational stop signal (p.Asp1684Thrfs*9) in the CEP250 gene. It is expected to result in an absent or disrupted protein product. Loss-of-function variants in CEP250 are known to be pathogenic (PMID: 24780881, 29718797).

Literature cited by the submitters: PubMed 24780881 (cited by Labcorp Genetics (formerly Invitae), Labcorp); PubMed 29718797 (cited by Labcorp Genetics (formerly Invitae), Labcorp).

NM_007186.6(CEP250):c.5050del (p.Asp1684fs)

Gene: CEP250 (centrosomal protein 250; plus strand). Cytogenetic location: 20q11.22.
Variant type: Deletion.
Coding change: c.5050del on transcript NM_007186.6 (MANE Select); coding-DNA position 5050, one base deleted (G; older notation c.5050delG).
Protein change: p.Asp1684fs; shifts the reading frame from aspartic acid 1684.
Molecular consequence: frameshift variant.
Genome position (GRCh38, 1-based): chr20:35,503,419, G deleted; the last of 2 consecutive G bases (chr20:35,503,418-35,503,419); deleting either gives the same sequence. VCF-style (leftmost placement, unchanged base first): chr20-35503417-AG-A. GRCh37 (hg19) VCF-style: chr20-34091245-AG-A.
Other names: c.3154del, p.Asp1052fs (NM_001318219.1); short protein forms D1052fs, D1684fs.
Identifiers: ClinVar variation 848176 (VCV000848176.8), dbSNP rs2064077764, ClinGen allele CA916083754.